The following is an entry in ClinVar:

NM_004333.6(BRAF):c.2045G>A (p.Arg682Gln)

Gene: BRAF (B-Raf proto-oncogene, serine/threonine kinase; minus strand). Cytogenetic location: 7q34.
Variant type: single nucleotide variant.
Coding change: c.2045G>A on transcript NM_004333.6 (MANE Select); coding-DNA position 2045, G replaced by A.
Protein change: p.Arg682Gln; replaces arginine 682 with glutamine.
Molecular consequence: missense variant.
Genome position (GRCh38, 1-based): chr7:140,739,894, C>T on the plus strand (G>A on the coding strand, the complement: BRAF is on the minus strand). VCF-style: chr7-140739894-C-T. GRCh37 (hg19) VCF-style: chr7-140439694-C-T.
Other names: c.2045G>A, p.Arg682Gln (NM_001354609.2, NM_001378468.1, NM_001378474.1); c.2165G>A, p.Arg722Gln (NM_001374244.1, NM_001374258.1); c.2054G>A, p.Arg685Gln (NM_001378467.1); c.1979G>A, p.Arg660Gln (NM_001378469.1); c.1943G>A, p.Arg648Gln (NM_001378470.1); c.1934G>A, p.Arg645Gln (NM_001378471.1); c.1889G>A, p.Arg630Gln (NM_001378472.1, NM_001378473.1); c.1781G>A, p.Arg594Gln (NM_001378475.1); short protein forms R594Q, R630Q, R645Q, R648Q, R660Q, R682Q, R685Q, R722Q.
Identifiers: ClinVar variation 929071 (VCV000929071.1), dbSNP rs1796764011, ClinGen allele CA369538385.

ClinVar aggregate classification (germline): Uncertain significance (1 of 4 stars; one submission).

Allele frequency attached by ClinVar (database versions not stated): gnomAD exomes below 0.00001.
gnomAD v4.1: 6 of 1,613,558 alleles (0.00037%); highest among the groups gnomAD compares: African/African-American, 0.0013%; no homozygotes.

Submission:

Women's Health and Genetics/Laboratory Corporation of America, LabCorp
Classification: Uncertain significance. Last evaluated: 2019-01-14. Review status: criteria provided, single submitter. Criteria: LabCorp Variant Classification Summary - May 2015. Collection method: clinical testing. Allele origin: germline.
Comment: Variant summary: BRAF c.2045G>A (p.Arg682Gln) results in a conservative amino acid change located in the Serine-threonine/tyrosine-protein kinase, catalytic domain of the encoded protein sequence. Three of five in-silico tools predict a benign effect of the variant on protein function. The variant was absent in 246068 control chromosomes. The available data on variant occurrences in the general population are insufficient to allow any conclusion about variant significance. c.2045G>A has not been reported in the literature in individuals affected with Noonan Syndrome and Related Conditions. To our knowledge, no experimental evidence demonstrating an impact on protein function has been reported. No clinical diagnostic laboratories have submitted clinical-significance assessments for this variant to ClinVar after 2014. Based on the evidence outlined above, the variant was classified as uncertain significance.